The following is an entry in ClinVar:

NM_020066.5(FMN2):c.696T>C (p.Pro232=)

Gene: FMN2 (formin 2; plus strand). Cytogenetic location: 1q43.
Variant type: single nucleotide variant.
Coding change: c.696T>C on transcript NM_020066.5 (MANE Select); coding-DNA position 696, T replaced by C.
Protein change: p.Pro232=; no amino-acid change (proline 232 retained).
Molecular consequence: synonymous variant.
Genome position (GRCh38, 1-based): chr1:240,092,805, T>C. VCF-style: chr1-240092805-T-C. GRCh37 (hg19) VCF-style: chr1-240256105-T-C.
Other names: c.696T>C, p.Pro232= (NM_001305424.2, NM_001348094.2).
Identifiers: ClinVar variation 435216 (VCV000435216.49), dbSNP rs11583501, ClinGen allele CA1476223.
Genomic context (GRCh38, chr1:240,092,805, plus strand): 5'-GCTCCAGCTCCAGCTCCAGCAACAGCAGCAGCAGCAGCAGCTCCAGGGCGCCGAGGAGCC[T>C]GCAGCGCCCCCCACTGCCGTCTCCCCTCAGCCCGGGGCCTTCCTGGGCCTGGACCGGTTC-3'
Protein context (NP_064450.3, residues 222-242): QQQQLQGAEE[Pro232=]AAPPTAVSPQ

ClinVar aggregate classification (germline): Benign/Likely benign. Review status: criteria provided, multiple submitters, no conflicts (2 of 4 stars). 6 submissions from 6 submitters: Benign (2); Likely benign (3). 1 of the submissions does not count toward it. Last evaluated 2026-09-01.

Conditions:
FMN2-related disorder. Also called: FMN2-related condition.

Allele frequency attached by ClinVar (database versions not stated): 1000 Genomes Project 0.00280; 1000 Genomes Project 30x 0.00281; ESP Exome Variant Server 0.00315; TOPMed 0.00365; gnomAD 0.00376; gnomAD exomes 0.00378 and 0.00465; ExAC 0.00572.
gnomAD v4.1: 7,250 of 1,585,654 alleles (0.46%); highest among the groups gnomAD compares: Non-Finnish European, 0.53%; 24 homozygotes.

Submissions (6):

CeGaT Center for Human Genetics Tuebingen
Classification: Likely benign. Last evaluated: 2026-09-01. Review status: criteria provided, single submitter. Criteria: CeGaT Center For Human Genetics Tuebingen Variant Classification Criteria Version 2. Collection method: clinical testing. Allele origin: germline. Affected: yes. Observed: 29 variant alleles.
Comment: FMN2: BP4, BP7, BS2

Blueprint Genetics
Classification: Likely benign. Last evaluated: 2024-11-26. Review status: criteria provided, single submitter. Criteria: ACMG Guidelines, 2015. Collection method: clinical testing. Allele origin: germline.

Labcorp Genetics (formerly Invitae), Labcorp
Classification: Benign. Last evaluated: 2019-12-31. Review status: criteria provided, single submitter. Criteria: Invitae Variant Classification Sherloc (09022015). Collection method: clinical testing. Allele origin: germline.

Genetic Services Laboratory, University of Chicago
Classification: Benign. Last evaluated: 2015-11-17. Review status: criteria provided, single submitter. Criteria: ACMG Guidelines, 2015. Collection method: clinical testing. Allele origin: germline. Affected: no.

Breakthrough Genomics
Classification: Likely benign. Review status: criteria provided, single submitter. Criteria: ACMG Guidelines, 2015. Collection method: not provided. Allele origin: germline. Inheritance: Autosomal recessive inheritance. Affected: yes.

PreventionGenetics, part of Exact Sciences
Classification: Benign for FMN2-related condition. Last evaluated: 2019-06-28. Review status: no assertion criteria provided. Collection method: clinical testing. Allele origin: germline. Not counted in ClinVar's aggregate classification.
Comment: This variant is classified as benign based on ACMG/AMP sequence variant interpretation guidelines (Richards et al. 2015 PMID: 25741868, with internal and published modifications).